The following is an entry in ClinVar:

NM_002834.5(PTPN11):c.557G>C (p.Arg186Pro)

Gene: PTPN11 (protein tyrosine phosphatase non-receptor type 11; plus strand). Cytogenetic location: 12q24.13.
Variant type: single nucleotide variant.
Coding change: c.557G>C on transcript NM_002834.5 (MANE Select); coding-DNA position 557, G replaced by C.
Protein change: p.Arg186Pro; replaces arginine 186 with proline.
Molecular consequence: missense variant.
Genome position (GRCh38, 1-based): chr12:112,454,595, G>C. VCF-style: chr12-112454595-G-C. GRCh37 (hg19) VCF-style: chr12-112892399-G-C.
Other names: c.557G>C, p.Arg186Pro (NM_001330437.2, NM_080601.3); c.554G>C, p.Arg185Pro (NM_001374625.1); short protein forms R185P, R186P.
Identifiers: ClinVar variation 1482927 (VCV001482927.8), dbSNP rs764663951, ClinGen allele CA386782318.

ClinVar aggregate classification (germline): Uncertain significance (1 of 4 stars; one submission).

Conditions:
RASopathy. Also called: Noonan spectrum disorder; rasopathies. Identifiers: Orphanet 536391, MedGen C5555857, MONDO:0021060.

Submission:

Labcorp Genetics (formerly Invitae), Labcorp
Classification: Uncertain significance for RASopathy. Last evaluated: 2021-06-12. Review status: criteria provided, single submitter. Criteria: Invitae Variant Classification Sherloc (09022015). Collection method: clinical testing. Allele origin: germline.
Comment: Algorithms developed to predict the effect of missense changes on protein structure and function are either unavailable or do not agree on the potential impact of this missense change (SIFT: "Tolerated"; PolyPhen-2: "Possibly Damaging"; Align-GVGD: "Class C0"). In summary, the available evidence is currently insufficient to determine the role of this variant in disease. Therefore, it has been classified as a Variant of Uncertain Significance. This variant has not been reported in the literature in individuals with PTPN11-related conditions. This variant is not present in population databases (ExAC no frequency). This sequence change replaces arginine with proline at codon 186 of the PTPN11 protein (p.Arg186Pro). The arginine residue is weakly conserved and there is a moderate physicochemical difference between arginine and proline.